The following is an entry in ClinVar:

NM_000548.5(TSC2):c.2295C>T (p.Ala765=)

Gene: TSC2 (TSC complex subunit 2; plus strand). Cytogenetic location: 16p13.3.
Variant type: single nucleotide variant.
Coding change: c.2295C>T on transcript NM_000548.5 (MANE Select); coding-DNA position 2295, C replaced by T.
Protein change: p.Ala765=; no amino-acid change (alanine 765 retained).
Molecular consequence: synonymous variant.
Genome position (GRCh38, 1-based): chr16:2,072,923, C>T. VCF-style: chr16-2072923-C-T. GRCh37 (hg19) VCF-style: chr16-2122924-C-T.
Other names: c.2295C>T, p.Ala765= (NM_001077183.3, NM_001114382.3, NM_001363528.2 and 3 more transcripts); c.2184C>T, p.Ala728= (NM_001318827.2); c.2148C>T, p.Ala716= (NM_001318829.2); c.1695C>T, p.Ala565= (NM_001318831.2); c.2328C>T, p.Ala776= (NM_001318832.2); c.2295C>T (NM_000548.4).
Identifiers: ClinVar variation 49677 (VCV000049677.30), dbSNP rs45509500, ClinGen allele CA017160.

ClinVar aggregate classification (germline): Conflicting classifications of pathogenicity. Review status: criteria provided, conflicting classifications (1 of 4 stars). 11 submissions from 11 submitters: Uncertain significance (1); Benign (6); Likely benign (3). 1 of the submissions does not count toward it. Last evaluated 2026-02-03.

Conditions:
Hereditary cancer-predisposing syndrome. Also called: Tumor predisposition; Neoplastic Syndromes, Hereditary; Hereditary neoplastic syndrome; Hereditary Cancer Syndrome. Identifiers: Orphanet 140162, MedGen C0027672, MeSH D009386, MONDO:0015356.
Tuberous sclerosis syndrome (TSC). Also called: Tuberous Sclerosis Complex; Tuberous sclerosis. Identifiers: Orphanet 805, MedGen C0041341, MONDO:0001734.
Tuberous sclerosis 2 (TSC2). Identifiers: Orphanet 805, MedGen C1860707, MONDO:0013199, OMIM 613254.

Allele frequency attached by ClinVar (database versions not stated): ExAC 0.00007; ESP Exome Variant Server 0.00008; 1000 Genomes Project 30x 0.00016; TOPMed 0.00018; gnomAD 0.00019; 1000 Genomes Project 0.00020.
gnomAD v4.1: 73 of 1,613,618 alleles (0.0045%); highest among the groups gnomAD compares: African/African-American, 0.08%; no homozygotes.

Submissions (11):

Labcorp Genetics (formerly Invitae), Labcorp
Classification: Benign for Tuberous sclerosis 2. Last evaluated: 2026-02-03. Review status: criteria provided, single submitter. Criteria: Invitae Variant Classification Sherloc (09022015). Collection method: clinical testing. Allele origin: germline.

Myriad Genetics, Inc.
Classification: Benign for Tuberous sclerosis 2. Last evaluated: 2025-05-19. Review status: criteria provided, single submitter. Criteria: Myriad Autosomal Dominant, Autosomal Recessive and X-Linked Classification Criteria (2023). Collection method: clinical testing. Allele origin: unknown.
Comment: This variant is considered benign. This variant is a silent/synonymous amino acid change and it is not expected to impact splicing.

Blueprint Genetics
Classification: Likely benign. Last evaluated: 2024-10-03. Review status: criteria provided, single submitter. Criteria: ACMG Guidelines, 2015. Collection method: clinical testing. Allele origin: germline.

Color Diagnostics, LLC DBA Color Health
Classification: Benign for Tuberous sclerosis syndrome. Last evaluated: 2022-09-26. Review status: criteria provided, single submitter. Criteria: ACMG Guidelines, 2015. Collection method: clinical testing. Allele origin: germline.

Women's Health and Genetics/Laboratory Corporation of America, LabCorp
Classification: Likely benign. Last evaluated: 2022-08-11. Review status: criteria provided, single submitter. Criteria: LabCorp Variant Classification Summary - May 2015. Collection method: clinical testing. Allele origin: germline.

Sema4
Classification: Benign for Hereditary cancer-predisposing syndrome. Last evaluated: 2022-02-07. Review status: criteria provided, single submitter. Criteria: Sema4 Curation Guidelines. Collection method: curation. Allele origin: germline.

Genome-Nilou Lab
Classification: Benign for Tuberous sclerosis 2. Last evaluated: 2021-11-07. Review status: criteria provided, single submitter. Criteria: ACMG Guidelines, 2015. Collection method: clinical testing. Allele origin: germline. Affected: no.

GeneDx
Classification: Benign. Last evaluated: 2021-08-09. Review status: criteria provided, single submitter. Criteria: GeneDx Variant Classification Process June 2021. Collection method: clinical testing. Allele origin: germline. Affected: yes.

Eurofins Ntd Llc (ga)
Classification: Uncertain significance. Last evaluated: 2018-03-06. Review status: criteria provided, single submitter. Criteria: EGL ClinVar v180209 classification definitions. Collection method: clinical testing. Allele origin: germline. Observed: 1 variant allele, 1 heterozygote.

Ambry Genetics
Classification: Likely benign for Hereditary cancer-predisposing syndrome. Last evaluated: 2016-12-19. Review status: criteria provided, single submitter. Criteria: Ambry Variant Classification Scheme 2023. Collection method: clinical testing. Allele origin: germline.

Tuberous sclerosis database (TSC2)
No classification provided. Condition: TSC. Review status: no classification provided. Criteria: Tuberous Sclerosis Database Assertion Criteria 2015. Collection method: curation. Allele origin: germline. Affected: yes. Not counted in ClinVar's aggregate classification.